The following is an entry in ClinVar:

NM_176824.3(BBS7):c.586C>T (p.His196Tyr)

Gene: BBS7 (Bardet-Biedl syndrome 7; minus strand). Cytogenetic location: 4q27.
Variant type: single nucleotide variant.
Coding change: c.586C>T on transcript NM_176824.3 (MANE Select); coding-DNA position 586, C replaced by T.
Protein change: p.His196Tyr; replaces histidine 196 with tyrosine.
Molecular consequence: missense variant.
Genome position (GRCh38, 1-based): chr4:121,855,504, G>A on the plus strand (C>T on the coding strand, the complement: BBS7 is on the minus strand). VCF-style: chr4-121855504-G-A. GRCh37 (hg19) VCF-style: chr4-122776659-G-A.
Other names: c.586C>T, p.His196Tyr (NM_018190.4); short protein forms H196Y.
Identifiers: ClinVar variation 1939784 (VCV001939784.5), dbSNP rs2476533783, ClinGen allele CA358066556.

ClinVar aggregate classification (germline): Uncertain significance (1 of 4 stars; one submission).

Conditions:
Bardet-Biedl syndrome (BBS). Identifiers: Orphanet 110, MedGen C0752166, MONDO:0015229.

Submission:

Labcorp Genetics (formerly Invitae), Labcorp
Classification: Uncertain significance for Bardet-Biedl syndrome. Last evaluated: 2022-04-28. Review status: criteria provided, single submitter. Criteria: Invitae Variant Classification Sherloc (09022015). Collection method: clinical testing. Allele origin: germline.
Comment: Algorithms developed to predict the effect of missense changes on protein structure and function output the following: SIFT: "Tolerated"; PolyPhen-2: "Benign"; Align-GVGD: "Class C0". The tyrosine amino acid residue is found in multiple mammalian species, which suggests that this missense change does not adversely affect protein function. In summary, the available evidence is currently insufficient to determine the role of this variant in disease. Therefore, it has been classified as a Variant of Uncertain Significance. This variant has not been reported in the literature in individuals affected with BBS7-related conditions. This variant is not present in population databases (gnomAD no frequency). This sequence change replaces histidine, which is basic and polar, with tyrosine, which is neutral and polar, at codon 196 of the BBS7 protein (p.His196Tyr).